The following is an entry in ClinVar:

NM_001414.4(EIF2B1):c.124A>G (p.Ile42Val)

Gene: EIF2B1 (eukaryotic translation initiation factor 2B subunit alpha; minus strand). Cytogenetic location: 12q24.31.
Variant type: single nucleotide variant.
Coding change: c.124A>G on transcript NM_001414.4 (MANE Select); coding-DNA position 124, A replaced by G.
Protein change: p.Ile42Val; replaces isoleucine 42 with valine.
Molecular consequence: missense variant.
Genome position (GRCh38, 1-based): chr12:123,630,525, T>C on the plus strand (A>G on the coding strand, the complement: EIF2B1 is on the minus strand). VCF-style: chr12-123630525-T-C. GRCh37 (hg19) VCF-style: chr12-124115072-T-C.
Other names: c.124A>G (NM_001414.3); short protein forms I42V.
Identifiers: ClinVar variation 1480504 (VCV001480504.4), dbSNP rs1273908870, ClinGen allele CA387145998.

ClinVar aggregate classification (germline): Uncertain significance. Review status: criteria provided, multiple submitters, no conflicts (2 of 4 stars). 2 submissions from 2 submitters: Uncertain significance (2). Last evaluated 2025-04-10.

Conditions:
Inborn genetic diseases. Identifiers: MedGen C0950123, MeSH D030342.

Allele frequency attached by ClinVar (database versions not stated): gnomAD exomes 0.00002; TOPMed 0.00002; gnomAD 0.00002.
gnomAD v4.1: 13 of 1,612,454 alleles (0.00081%); highest among the groups gnomAD compares: Admixed American, 0.005%; no homozygotes.

Submissions (2):

Ambry Genetics
Classification: Uncertain significance for Inborn genetic diseases. Last evaluated: 2025-04-10. Review status: criteria provided, single submitter. Criteria: Ambry Variant Classification Scheme 2023. Collection method: clinical testing. Allele origin: germline.

Labcorp Genetics (formerly Invitae), Labcorp
Classification: Uncertain significance. Last evaluated: 2021-12-16. Review status: criteria provided, single submitter. Criteria: Invitae Variant Classification Sherloc (09022015). Collection method: clinical testing. Allele origin: germline.
Comment: This sequence change replaces isoleucine, which is neutral and non-polar, with valine, which is neutral and non-polar, at codon 42 of the EIF2B1 protein (p.Ile42Val). This variant is not present in population databases (gnomAD no frequency). This variant has not been reported in the literature in individuals affected with EIF2B1-related conditions. Algorithms developed to predict the effect of missense changes on protein structure and function (SIFT, PolyPhen-2, Align-GVGD) all suggest that this variant is likely to be tolerated. In summary, the available evidence is currently insufficient to determine the role of this variant in disease. Therefore, it has been classified as a Variant of Uncertain Significance.